The following is an entry in ClinVar:

NM_004006.3(DMD):c.6615-1G>A

Gene: DMD (dystrophin; minus strand). Cytogenetic location: Xp21.1.
Variant type: single nucleotide variant.
Coding change: c.6615-1G>A on transcript NM_004006.3 (MANE Select); the canonical splice acceptor site of the intron before coding-DNA position 6615, G replaced by A.
Molecular consequence: splice acceptor variant.
Genome position (GRCh38, 1-based): chrX:31,932,228, C>T on the plus strand (G>A on the coding strand, the complement: DMD is on the minus strand). VCF-style: chrX-31932228-C-T. GRCh37 (hg19) VCF-style: chrX-31950345-C-T.
Other names: c.6591-1G>A (NM_000109.4); c.2592-1G>A (NM_004011.4); c.2583-1G>A (NM_004012.4); c.-766-1G>A (NM_004023.3, NM_004020.4, NM_004022.3 and 2 more transcripts); c.6603-1G>A (NM_004009.3); c.6246-1G>A (NM_004010.3); c.6615-1G>A (NM_004006.2).
Identifiers: ClinVar variation 2706644 (VCV002706644.4), dbSNP rs2533460550, ClinGen allele CA412658437.
Genomic context (GRCh38, chrX:31,932,228, plus strand): 5'-AAAACAAATTCATTTAAATCTCTTTGAAATTCTGACAAGATATTCTTTTGTTCTTCTAGC[C>T]TGGAGAAAGAAGAATAAAATTGTTATTTTTTTTTCCAACATAGTTCTCAAACTATTTGTT-3'

ClinVar aggregate classification (germline): Pathogenic. Review status: criteria provided, multiple submitters, no conflicts (2 of 4 stars). 2 submissions from 2 submitters: Pathogenic (2). Last evaluated 2024-06-19.

Conditions:
Duchenne muscular dystrophy (DMD). Also called: MUSCULAR DYSTROPHY, PSEUDOHYPERTROPHIC PROGRESSIVE, DUCHENNE TYPE; Duchenne Muscular Dystrophy (DMD). Identifiers: Orphanet 98896, MedGen C0013264, MONDO:0010679, OMIM 310200.

Submissions (2):

Labcorp Genetics (formerly Invitae), Labcorp
Classification: Pathogenic for Duchenne muscular dystrophy. Last evaluated: 2024-06-19. Review status: criteria provided, single submitter. Criteria: Invitae Variant Classification Sherloc (09022015). Collection method: clinical testing. Allele origin: germline.
Comment: This sequence change affects an acceptor splice site in intron 45 of the DMD gene. It is expected to disrupt RNA splicing. Variants that disrupt the donor or acceptor splice site typically lead to a loss of protein function (PMID: 16199547), and loss-of-function variants in DMD are known to be pathogenic (PMID: 16770791, 25007885). This variant is not present in population databases (gnomAD no frequency). Disruption of this splice site has been observed in individuals with Becker muscular dystrophy or Duchenne muscular dystrophy (PMID: 20485447, 28503591). Algorithms developed to predict the effect of sequence changes on RNA splicing suggest that this variant may disrupt the consensus splice site. For these reasons, this variant has been classified as Pathogenic.

Revvity Omics, Revvity
Classification: Pathogenic. Last evaluated: 2024-03-11. Review status: criteria provided, single submitter. Criteria: ACMG Guidelines, 2015. Collection method: clinical testing. Allele origin: germline.

Literature cited by the submitters: PubMed 16199547 (cited by Labcorp Genetics (formerly Invitae), Labcorp); PubMed 16770791 (cited by Labcorp Genetics (formerly Invitae), Labcorp); PubMed 25007885 (cited by Labcorp Genetics (formerly Invitae), Labcorp); PubMed 20485447 (cited by Labcorp Genetics (formerly Invitae), Labcorp); PubMed 28503591 (cited by Labcorp Genetics (formerly Invitae), Labcorp).